The following is an entry in ClinVar:

NM_000528.4(MAN2B1):c.1388_1389del (p.Arg463fs)

Genes: MAN2B1 (mannosidase alpha class 2B member 1; minus strand), LOC129391064 (MPRA-validated peak3365 silencer; plus strand). Cytogenetic location: 19p13.13.
Variant type: Microsatellite.
Coding change: c.1388_1389del on transcript NM_000528.4 (MANE Select); coding-DNA positions 1388 to 1389, 2 bases deleted (GC; older notation c.1388_1389delGC).
Protein change: p.Arg463fs; shifts the reading frame from arginine 463.
Molecular consequence: frameshift variant.
Genome position (GRCh38, 1-based): chr19:12,657,476-12,657,477, GC deleted on the plus strand (GC on the coding strand, the reverse complement: MAN2B1 is on the minus strand); deleting any 2 consecutive bases within chr19:12,657,476-12,657,482 gives the same sequence; the c. name uses the placement nearest the transcript's 3' end. VCF-style (leftmost placement, unchanged base first): chr19-12657475-GGC-G. GRCh37 (hg19) VCF-style: chr19-12768289-GGC-G.
Other names: c.1388_1389delGC (NM_000528.3); c.1385_1386del, p.Arg462fs (NM_001173498.2); short protein forms R462fs, R463fs.
Identifiers: ClinVar variation 848454 (VCV000848454.25), dbSNP rs771647137, ClinGen allele CA9226478.

ClinVar aggregate classification (germline): Pathogenic. Review status: criteria provided, multiple submitters, no conflicts (2 of 4 stars). 7 submissions from 7 submitters: Pathogenic (7). Last evaluated 2026-01-17.

Conditions:
Deficiency of alpha-mannosidase (MANSA). Also called: LYSOSOMAL ALPHA-D-MANNOSIDASE DEFICIENCY; Alpha-Mannosidosis; Mannosidosis, alpha-, types I and II. Identifiers: Orphanet 61, MedGen C0024748, MONDO:0009561, OMIM 248500.

Submissions (7):

Labcorp Genetics (formerly Invitae), Labcorp
Classification: Pathogenic for Deficiency of alpha-mannosidase. Last evaluated: 2026-01-17. Review status: criteria provided, single submitter. Criteria: Invitae Variant Classification Sherloc (09022015). Collection method: clinical testing. Allele origin: germline.
Comment: This sequence change creates a premature translational stop signal (p.Arg463Profs*53) in the MAN2B1 gene. It is expected to result in an absent or disrupted protein product. Loss-of-function variants in MAN2B1 are known to be pathogenic (PMID: 9915946, 22161967). This variant is not present in population databases (gnomAD no frequency). This premature translational stop signal has been observed in individual(s) with alpha-mannosidosis (PMID: 22161967). In at least one individual the data is consistent with being in trans (on the opposite chromosome) from a pathogenic variant. ClinVar contains an entry for this variant (Variation ID: 848454). For these reasons, this variant has been classified as Pathogenic.

Natera, Inc.
Classification: Pathogenic for Alpha-mannosidosis. Last evaluated: 2025-06-15. Review status: criteria provided, single submitter. Criteria: Natera Variant Classification Schema (03/2026). Collection method: clinical testing. Allele origin: germline.
Comment: The c.1388_1389delGC variant in MAN2B1 is a frameshift variant predicted to shift the reading frame beginning at codon 463 and leads to a stop codon 53 codons downstream. This variant is expected to result in nonsense mediated decay, truncation, or a dysfunctional protein product. This variant is rare in the general population with a frequency below the threshold expected for the associated phenotype(s). This variant has been observed in one or more individuals affected with the associated recessive disease, as either homozygous or compound heterozygous with a second variant (PMID: 22161967). Given the available evidence, this variant is classified as Pathogenic.

Fulgent Genetics
Classification: Pathogenic for Deficiency of alpha-mannosidase. Last evaluated: 2024-02-27. Review status: criteria provided, single submitter. Criteria: ACMG Guidelines, 2015. Collection method: clinical testing. Allele origin: germline.

Baylor Genetics
Classification: Pathogenic for Deficiency of alpha-mannosidase. Last evaluated: 2024-02-22. Review status: criteria provided, single submitter. Criteria: ACMG Guidelines, 2015. Collection method: clinical testing. Allele origin: unknown.

Genome-Nilou Lab
Classification: Pathogenic for Deficiency of alpha-mannosidase. Last evaluated: 2021-09-05. Review status: criteria provided, single submitter. Criteria: ACMG Guidelines, 2015. Collection method: clinical testing. Allele origin: germline. Affected: no.

Women's Health and Genetics/Laboratory Corporation of America, LabCorp
Classification: Pathogenic for Deficiency of alpha-mannosidase. Last evaluated: 2021-08-16. Review status: criteria provided, single submitter. Criteria: LabCorp Variant Classification Summary - May 2015. Collection method: clinical testing. Allele origin: germline.
Comment: Variant summary: MAN2B1 c.1388_1389delGC (p.Arg463ProfsX53) results in a premature termination codon, predicted to cause a truncation of the encoded protein or absence of the protein due to nonsense mediated decay, which are commonly known mechanisms for disease. Truncations downstream of this position have been classified as pathogenic by our laboratory. The variant was absent in 166008 control chromosomes (gnomAD). c.1388_1389delGC has been reported in the literature in individuals affected with Alpha-Mannosidosis (Rise Stensland_2012, Borgwardt_2015). These data indicate that the variant is likely to be associated with disease. To our knowledge, no experimental evidence demonstrating an impact on protein function has been reported. A ClinVar submitter (evaluation after 2014) cites the variant as pathogenic. Based on the evidence outlined above, the variant was classified as pathogenic.

Revvity Omics, Revvity
Classification: Pathogenic for Deficiency of alpha-mannosidase. Last evaluated: 2019-04-12. Review status: criteria provided, single submitter. Criteria: ACMG Guidelines, 2015. Collection method: clinical testing. Allele origin: germline.

Literature cited by the submitters: PubMed 9915946 (cited by Labcorp Genetics (formerly Invitae), Labcorp); PubMed 22161967 (cited by Labcorp Genetics (formerly Invitae), Labcorp and Natera, Inc.); PubMed 26048034 (cited by Women's Health and Genetics/Laboratory Corporation of America, LabCorp); PubMed 27396955 (cited by Women's Health and Genetics/Laboratory Corporation of America, LabCorp).